The following is an entry in ClinVar:

ClinVar aggregate classification (germline): Uncertain significance (1 of 4 stars; one submission).

Conditions:
3-methylglutaconic aciduria, type VIIB (MGCA7B). Also called: CLPB Deficiency; 3-methylglutaconic aciduria with cataracts, neurologic involvement and neutropenia; 3-methylglutaconic aciduria, type VII, with cataracts, neurologic involvement and neutropenia. Identifiers: Orphanet 445038, MedGen C5676893, MONDO:0014561, OMIM 616271.

Allele frequency attached by ClinVar (database versions not stated): gnomAD exomes below 0.00001; TOPMed below 0.00001.
gnomAD v4.1: 5 of 1,614,160 alleles (0.00031%); highest among the groups gnomAD compares: South Asian, 0.0033%; no homozygotes.

Submission:

Labcorp Genetics (formerly Invitae), Labcorp
Classification: Uncertain significance for 3-methylglutaconic aciduria, type VIIB. Last evaluated: 2023-07-14. Review status: criteria provided, single submitter. Criteria: Invitae Variant Classification Sherloc (09022015). Collection method: clinical testing. Allele origin: germline.
Comment: In summary, the available evidence is currently insufficient to determine the role of this variant in disease. Therefore, it has been classified as a Variant of Uncertain Significance. An algorithm developed to predict the effect of missense changes on protein structure and function (PolyPhen-2) suggests that this variant is likely to be disruptive. This variant has not been reported in the literature in individuals affected with CLPB-related conditions. This variant is present in population databases (no rsID available, gnomAD 0.01%). This sequence change replaces alanine, which is neutral and non-polar, with threonine, which is neutral and polar, at codon 503 of the CLPB protein (p.Ala503Thr).

NM_001258392.3(CLPB):c.1417G>A (p.Ala473Thr)

Gene: CLPB (ClpB family mitochondrial disaggregase; minus strand). Cytogenetic location: 11q13.4.
Variant type: single nucleotide variant.
Coding change: c.1417G>A on transcript NM_001258392.3 (MANE Select); coding-DNA position 1417, G replaced by A.
Protein change: p.Ala473Thr; replaces alanine 473 with threonine.
Molecular consequence: missense variant.
Genome position (GRCh38, 1-based): chr11:72,295,561, C>T on the plus strand (G>A on the coding strand, the complement: CLPB is on the minus strand). VCF-style: chr11-72295561-C-T. GRCh37 (hg19) VCF-style: chr11-72006605-C-T.
Other names: c.1330G>A, p.Ala444Thr (NM_001258393.3); c.1372G>A, p.Ala458Thr (NM_001258394.3); c.1507G>A, p.Ala503Thr (NM_030813.6); short protein forms A444T, A458T, A473T, A503T.
Identifiers: ClinVar variation 2878309 (VCV002878309.3), dbSNP rs1022728092, ClinGen allele CA224386400.
Genomic context (GRCh38, chr11:72,295,561, plus strand): 5'-CGGCAATACGGTTACGGCTCATCTCCAAAGCTTCCTGCCTCAGCTGCAGCGCGTGCTGTG[C>T]GATCTCGTCGCTGGCCACATTGGAGGTCATGATGAAGATGGCGTCCTTGCAATCAATGGT-3'
Protein context (NP_001245321.1, residues 463-483): MTSNVASDEI[Ala473Thr]QHALQLRQEA